The following is an entry in ClinVar:

ClinVar aggregate classification (germline): Likely pathogenic (1 of 4 stars; one submission).

Conditions:
Hypogonadotropic hypogonadism 1 with or without anosmia (HH1). Also called: Kallmann syndrome, type 1, X-linked; DYSPLASIA OLFACTOGENITALIS OF DE MORSIER; HYPOGONADOTROPIC HYPOGONADISM 1 WITH ANOSMIA; KAL1-Related GnRH Deficiency (Kallmann Syndrome 1; Kallmann Syndrome, X-Linked); Hypogonadotropic hypogonadism 1 with or without anosmia (Kallmann syndrome 1); HYPOGONADOTROPIC HYPOGONADISM AND ANOSMIA. Identifiers: Orphanet 478, MedGen C1563719, MONDO:0010635, OMIM 308700. Disease mechanism: loss of function.

Submission:

3billion
Classification: Likely pathogenic for Hypogonadotropic hypogonadism 1 with or without anosmia. Last evaluated: 2025-03-04. Review status: criteria provided, single submitter. Criteria: ACMG Guidelines, 2015. Collection method: clinical testing. Allele origin: germline. Affected: yes.
Comment: The variant is not observed in the gnomAD v4.1.0 dataset. Predicted Consequence/Location: Frameshift: predicted to result in a loss or disruption of normal protein function through nonsense-mediated decay (NMD) or protein truncation. Multiple pathogenic variants are reported downstream of the variant. Therefore, this variant is classified as Likely pathogenic according to the recommendation of ACMG/AMP guideline.

NM_000216.4(ANOS1):c.1863del (p.Asn623fs)

Gene: ANOS1 (anosmin 1; minus strand). Cytogenetic location: Xp22.31.
Variant type: Deletion.
Coding change: c.1863del on transcript NM_000216.4 (MANE Select); coding-DNA position 1863, one base deleted (G; older notation c.1863delG).
Protein change: p.Asn623fs; shifts the reading frame from asparagine 623.
Molecular consequence: frameshift variant.
Genome position (GRCh38, 1-based): chrX:8,534,440, C deleted on the plus strand (G on the coding strand, the reverse complement: ANOS1 is on the minus strand). VCF-style (leftmost placement, unchanged base first): chrX-8534439-GC-G. GRCh37 (hg19) VCF-style: chrX-8502480-GC-G.
Other names: short protein forms N623fs.
Identifiers: ClinVar variation 4293704 (VCV004293704.1).